The following is an entry in ClinVar:

NM_000235.4(LIPA):c.676-2A>T

Gene: LIPA (lipase A, lysosomal acid type; minus strand). Cytogenetic location: 10q23.31.
Variant type: single nucleotide variant.
Coding change: c.676-2A>T on transcript NM_000235.4 (MANE Select); the canonical splice acceptor site of the intron before coding-DNA position 676, A replaced by T.
Molecular consequence: splice acceptor variant.
Genome position (GRCh38, 1-based): chr10:89,223,832, T>A on the plus strand (A>T on the coding strand, the complement: LIPA is on the minus strand). VCF-style: chr10-89223832-T-A. GRCh37 (hg19) VCF-style: chr10-90983589-T-A.
Other names: c.328-2A>T (NM_001288979.2); c.676-2A>T (NM_001127605.3).
Identifiers: ClinVar variation 939160 (VCV000939160.6), dbSNP rs747508159, ClinGen allele CA5593640.

ClinVar aggregate classification (germline): Pathogenic. Review status: criteria provided, multiple submitters, no conflicts (2 of 4 stars). 2 submissions from 2 submitters: Pathogenic (2). Last evaluated 2022-09-13.

Conditions:
Wolman disease (WOLD). Also called: Wolman disease, CESD; LYSOSOMAL ACID LIPASE DEFICIENCY, ACUTE INFANTILE; LYSOSOMAL ACID LIPASE DEFICIENCY, COMPLETE; LIPA DEFICIENCY, COMPLETE; LAL DEFICIENCY, COMPLETE; CHOLESTEROL ESTER HYDROLASE DEFICIENCY, COMPLETE. Identifiers: Orphanet 75233, MedGen C0043208, MONDO:0019148, OMIM 620151.

Allele frequency attached by ClinVar (database versions not stated): gnomAD exomes below 0.00001; ExAC 0.00001.
gnomAD v4.1: 1 of 1,613,996 alleles (0.000062%); highest among the groups gnomAD compares: South Asian, 0.0011%; no homozygotes.

Submissions (2):

Revvity Omics, Revvity
Classification: Pathogenic. Last evaluated: 2022-09-13. Review status: criteria provided, single submitter. Criteria: ACMG Guidelines, 2015. Collection method: clinical testing. Allele origin: germline.

Labcorp Genetics (formerly Invitae), Labcorp
Classification: Pathogenic for Wolman disease. Last evaluated: 2019-05-17. Review status: criteria provided, single submitter. Criteria: Invitae Variant Classification Sherloc (09022015). Collection method: clinical testing. Allele origin: germline.
Comment: This sequence change affects an acceptor splice site in intron 6 of the LIPA gene. It is expected to disrupt RNA splicing and likely results in an absent or disrupted protein product. This variant is present in population databases (rs747508159, ExAC 0.006%). Disruption of this splice site has been observed in an individual affected with cholesteryl ester storage disease¬†(PMID: 8894696). Experimental studies have shown that variants at this nucleotide disrupt mRNA splicing (PMID: 8894696). Donor and acceptor splice site variants typically lead to a loss of protein function (PMID: 16199547), and loss-of-function variants in LIPA are known to be pathogenic (PMID: 23485521). For these reasons, this variant has been classified as Pathogenic.

Literature cited by the submitters: PubMed 8894696 (cited by Labcorp Genetics (formerly Invitae), Labcorp); PubMed 16199547 (cited by Labcorp Genetics (formerly Invitae), Labcorp); PubMed 23485521 (cited by Labcorp Genetics (formerly Invitae), Labcorp).